The following is an entry in ClinVar:

ClinVar aggregate classification (germline): Uncertain significance. Review status: criteria provided, multiple submitters, no conflicts (2 of 4 stars). 6 submissions from 6 submitters: Uncertain significance (5). 1 of the submissions does not count toward it. Last evaluated 2026-01-26.

Conditions:
Hereditary cancer-predisposing syndrome. Also called: Hereditary neoplastic syndrome; Tumor predisposition; Neoplastic Syndromes, Hereditary; Hereditary Cancer Syndrome. Identifiers: Orphanet 140162, MedGen C0027672, MeSH D009386, MONDO:0015356.
Bloom syndrome (BLM). Also called: Bloom-Torre-Machacek syndrome. Identifiers: Orphanet 125, MedGen C0005859, MONDO:0008876, OMIM 210900.

Allele frequency attached by ClinVar (database versions not stated): gnomAD exomes below 0.00001 and 0.00001; gnomAD 0.00001; TOPMed 0.00001.
gnomAD v4.1: 4 of 1,614,056 alleles (0.00025%); highest among the groups gnomAD compares: Non-Finnish European, 0.00034%; no homozygotes.

Submissions (6):

Labcorp Genetics (formerly Invitae), Labcorp
Classification: Uncertain significance for Bloom syndrome. Last evaluated: 2026-01-26. Review status: criteria provided, single submitter. Criteria: Invitae Variant Classification Sherloc (09022015). Collection method: clinical testing. Allele origin: germline.
Comment: This sequence change replaces asparagine, which is neutral and polar, with aspartic acid, which is acidic and polar, at codon 936 of the BLM protein (p.Asn936Asp). This variant is present in population databases (no rsID available, gnomAD 0.0009%). This variant has not been reported in the literature in individuals affected with BLM-related conditions. ClinVar contains an entry for this variant (Variation ID: 524782). Invitae Evidence Modeling of protein sequence and biophysical properties (such as structural, functional, and spatial information, amino acid conservation, physicochemical variation, residue mobility, and thermodynamic stability) indicates that this missense variant is expected to disrupt BLM protein function with a positive predictive value of 80%. In summary, the available evidence is currently insufficient to determine the role of this variant in disease. Therefore, it has been classified as a Variant of Uncertain Significance.

Ambry Genetics
Classification: Uncertain significance for Hereditary cancer-predisposing syndrome. Last evaluated: 2025-05-29. Review status: criteria provided, single submitter. Criteria: Ambry Variant Classification Scheme 2023. Collection method: clinical testing. Allele origin: germline.

GeneDx
Classification: Uncertain significance. Last evaluated: 2023-02-21. Review status: criteria provided, single submitter. Criteria: GeneDx Variant Classification Process June 2021. Collection method: clinical testing. Allele origin: germline. Affected: yes.
Comment: Not observed at significant frequency in large population cohorts (gnomAD); In silico analysis supports that this missense variant has a deleterious effect on protein structure/function; Has not been previously published as pathogenic or benign to our knowledge

Sema4
Classification: Uncertain significance for Hereditary cancer-predisposing syndrome. Last evaluated: 2022-02-19. Review status: criteria provided, single submitter. Criteria: Sema4 Curation Guidelines. Collection method: curation. Allele origin: germline.
Comment: The BLM c.2806A>G (p.N936D) variant has not been reported in the literature to our knowledge. This variant was observed in 1/113718 chromosomes in the Non-Finnish European population, according to the Genome Aggregation Database (PMID: 32461654). The variant has been reported in ClinVar (Variation ID: 524782). Functional studies have not been performed, and in silico predictions of the variant's effect on protein function are inconclusive. The evidence is insufficient to meet ACMG/AMP criteria for classifying the variant as benign or pathogenic. Thus, the clinical significance of this variant is currently uncertain.

Blueprint Genetics
Classification: Uncertain significance. Last evaluated: 2020-10-05. Review status: criteria provided, single submitter. Criteria: ACMG Guidelines, 2015. Collection method: clinical testing. Allele origin: germline.

Natera, Inc.
Classification: Uncertain significance for Bloom syndrome. Last evaluated: 2020-01-24. Review status: no assertion criteria provided. Collection method: clinical testing. Allele origin: germline. Not counted in ClinVar's aggregate classification.

NM_000057.4(BLM):c.2806A>G (p.Asn936Asp)

Gene: BLM (BLM RecQ like helicase; plus strand). Cytogenetic location: 15q26.1.
Variant type: single nucleotide variant.
Coding change: c.2806A>G on transcript NM_000057.4 (MANE Select); coding-DNA position 2806, A replaced by G.
Protein change: p.Asn936Asp; replaces asparagine 936 with aspartic acid.
Molecular consequence: missense variant.
Genome position (GRCh38, 1-based): chr15:90,785,064, A>G. VCF-style: chr15-90785064-A-G. GRCh37 (hg19) VCF-style: chr15-91328294-A-G.
Other names: c.2806A>G, p.Asn936Asp (NM_001287246.2, NM_001287247.2); c.1681A>G, p.Asn561Asp (NM_001287248.2); short protein forms N936D, N561D.
Identifiers: ClinVar variation 524782 (VCV000524782.21), dbSNP rs1422513540, ClinGen allele CA393846161.